The following is an entry in ClinVar:

ClinVar aggregate classification (germline): Uncertain significance (1 of 4 stars; one submission).

Conditions:
Neuropathy, hereditary sensory and autonomic, type 1C. Also called: HSAN IC; HSN IC. Identifiers: Orphanet 36386, MedGen C3150896, MONDO:0013337, OMIM 613640.

gnomAD v4.1: 1 of 1,614,174 alleles (0.000062%); no homozygotes.

Submission:

Labcorp Genetics (formerly Invitae), Labcorp
Classification: Uncertain significance for Neuropathy, hereditary sensory and autonomic, type 1C. Last evaluated: 2021-02-22. Review status: criteria provided, single submitter. Criteria: Invitae Variant Classification Sherloc (09022015). Collection method: clinical testing. Allele origin: germline.
Comment: In summary, the available evidence is currently insufficient to determine the role of this variant in disease. Therefore, it has been classified as a Variant of Uncertain Significance. Algorithms developed to predict the effect of missense changes on protein structure and function do not agree on the potential impact of this missense change (SIFT: "Deleterious"; PolyPhen-2: "Possibly Damaging"; Align-GVGD: "Class C0"). This variant has not been reported in the literature in individuals with SPTLC2-related disease. This variant is not present in population databases (ExAC no frequency). This sequence change replaces threonine with isoleucine at codon 421 of the SPTLC2 protein (p.Thr421Ile). The threonine residue is moderately conserved and there is a moderate physicochemical difference between threonine and isoleucine.

NM_004863.4(SPTLC2):c.1262C>T (p.Thr421Ile)

Gene: SPTLC2 (serine palmitoyltransferase long chain base subunit 2; minus strand). Cytogenetic location: 14q24.3.
Variant type: single nucleotide variant.
Coding change: c.1262C>T on transcript NM_004863.4 (MANE Select); coding-DNA position 1262, C replaced by T.
Protein change: p.Thr421Ile; replaces threonine 421 with isoleucine.
Molecular consequence: missense variant.
Genome position (GRCh38, 1-based): chr14:77,552,137, G>A on the plus strand (C>T on the coding strand, the complement: SPTLC2 is on the minus strand). VCF-style: chr14-77552137-G-A. GRCh37 (hg19) VCF-style: chr14-78018480-G-A.
Other names: short protein forms T421I.
Identifiers: ClinVar variation 1469734 (VCV001469734.8), dbSNP rs2140017667, ClinGen allele CA390707105.